The following is an entry in ClinVar:

NM_000488.4(SERPINC1):c.495del (p.Ala166fs)

Gene: SERPINC1 (serpin family C member 1; minus strand). Cytogenetic location: 1q25.1.
Variant type: Deletion.
Coding change: c.495del on transcript NM_000488.4 (MANE Select); coding-DNA position 495, one base deleted (A; older notation c.495delA).
Protein change: p.Ala166fs; shifts the reading frame from alanine 166.
Molecular consequence: frameshift variant. On other transcripts: intron variant (1).
Genome position (GRCh38, 1-based): chr1:173,911,928, T deleted on the plus strand (A on the coding strand, the reverse complement: SERPINC1 is on the minus strand); the first of 4 consecutive T bases (chr1:173,911,928-173,911,931); deleting any one gives the same sequence. VCF-style (leftmost placement, unchanged base first): chr1-173911927-CT-C. GRCh37 (hg19) VCF-style: chr1-173881065-CT-C.
Other names: c.351del, p.Ala118fs (NM_001365052.2); c.495del, p.Ala166fs (NM_001386302.1, NM_001386304.1, NM_001386305.1); c.576del, p.Ala193fs (NM_001386303.1); c.409-1037del (NM_001386306.1); short protein forms A118fs, A166fs, A193fs.
Identifiers: ClinVar variation 5018768 (VCV005018768.2).

ClinVar aggregate classification (germline): Likely pathogenic (1 of 4 stars; one submission).

Conditions:
Hereditary antithrombin deficiency (AT3D). Also called: Antithrombin deficiency; Reduced antithrombin III activity; Antithrombin III deficiency; Thrombophilia due to antithrombin III deficiency. Identifiers: Orphanet 82, MedGen C0272375, MONDO:0013144, OMIM 613118, HP:0001976.

Submission:

Juno Genomics, Hangzhou Juno Genomics, Inc
Classification: Likely pathogenic for Hereditary antithrombin deficiency. Review status: criteria provided, single submitter. Criteria: ACMG Guidelines, 2015. Collection method: clinical testing. Allele origin: germline.
Comment: Absent from controls (or at extremely low frequency if recessive) in Genome Aggregation Database.;Null variant in a gene where loss of function (LOF) is a known mechanism of disease.